The following is an entry in ClinVar:

ClinVar aggregate classification (germline): Uncertain significance (1 of 4 stars; one submission).

Conditions:
Menkes kinky-hair syndrome (MNK). Also called: Copper transport disease; Menkes Disease; Classic Menkes Disease. Identifiers: Orphanet 565, MedGen C0022716, MONDO:0010651, OMIM 309400.
Cutis laxa, X-linked (OHS). Also called: EDS IX; Occipital horn syndrome. Identifiers: Orphanet 198, MedGen C0268353, MONDO:0010572, OMIM 304150.
X-linked distal spinal muscular atrophy type 3. Also called: ATP7A-Related Distal Motor Neuropathy; SPINAL MUSCULAR ATROPHY, DISTAL, X-LINKED RECESSIVE; NEURONOPATHY, DISTAL HEREDITARY MOTOR, X-LINKED; NEUROPATHY, DISTAL HEREDITARY MOTOR, X-LINKED. Identifiers: Orphanet 139557, MedGen C1845359, MONDO:0010338, OMIM 300489.

Submission:

Labcorp Genetics (formerly Invitae), Labcorp
Classification: Uncertain significance for X-linked distal spinal muscular atrophy type 3; Cutis laxa, X-linked; Menkes kinky-hair syndrome. Last evaluated: 2023-12-25. Review status: criteria provided, single submitter. Criteria: Invitae Variant Classification Sherloc (09022015). Collection method: clinical testing. Allele origin: germline.
Comment: This sequence change replaces serine, which is neutral and polar, with phenylalanine, which is neutral and non-polar, at codon 407 of the ATP7A protein (p.Ser407Phe). This variant is not present in population databases (gnomAD no frequency). This variant has not been reported in the literature in individuals affected with ATP7A-related conditions. Advanced modeling of protein sequence and biophysical properties (such as structural, functional, and spatial information, amino acid conservation, physicochemical variation, residue mobility, and thermodynamic stability) performed at Invitae indicates that this missense variant is not expected to disrupt ATP7A protein function with a negative predictive value of 95%. In summary, the available evidence is currently insufficient to determine the role of this variant in disease. Therefore, it has been classified as a Variant of Uncertain Significance.

NM_000052.7(ATP7A):c.1220C>T (p.Ser407Phe)

Gene: ATP7A (ATPase copper transporting alpha; plus strand). Cytogenetic location: Xq21.1.
Variant type: single nucleotide variant.
Coding change: c.1220C>T on transcript NM_000052.7 (MANE Select); coding-DNA position 1220, C replaced by T.
Protein change: p.Ser407Phe; replaces serine 407 with phenylalanine.
Molecular consequence: missense variant.
Genome position (GRCh38, 1-based): chrX:77,989,842, C>T. VCF-style: chrX-77989842-C-T. GRCh37 (hg19) VCF-style: chrX-77245338-C-T.
Other names: c.1220C>T, p.Ser407Phe (NM_001282224.2); short protein forms S407F.
Identifiers: ClinVar variation 2927249 (VCV002927249.3), dbSNP rs2522295083, ClinGen allele CA413602079.
Genomic context (GRCh38, chrX:77,989,842, plus strand): 5'-CTTGTAATTCCTGTGTGCAGTCTATTGAGGGTGTCATATCAAAAAAGCCAGGTGTAAAAT[C>T]CATACGAGTCTCCCTTGCAAATAGCAATGGGACTGTTGAGTATGATCCTCTACTAACCTC-3'
Protein context (NP_000043.4, residues 397-417): GVISKKPGVK[Ser407Phe]IRVSLANSNG